The following is an entry in ClinVar:

ClinVar aggregate classification (germline): Uncertain significance. Review status: criteria provided, multiple submitters, no conflicts (2 of 4 stars). 2 submissions from 2 submitters: Uncertain significance (2). Last evaluated 2026-07-14.

Conditions:
GFI1-related disorder. Also called: GFI1-related condition.
Neutropenia, severe congenital, 2, autosomal dominant. Identifiers: Orphanet 486, MedGen C2751288, MONDO:0013139, OMIM 613107.

gnomAD v4.1: 2 of 1,611,848 alleles (0.00012%); highest among the groups gnomAD compares: Non-Finnish European, 0.00017%; no homozygotes.

Submissions (2):

PreventionGenetics, part of Exact Sciences
Classification: Uncertain significance for GFI1-related condition. Last evaluated: 2026-07-14. Review status: criteria provided, single submitter. Criteria: ACMG Guidelines, 2015. Collection method: clinical testing. Allele origin: germline.
Comment: The GFI1 c.90G>C variant is predicted to result in the amino acid substitution p.Glu30Asp. To our knowledge, this variant has not been reported in the literature or in a large population database (gnomAD), indicating this variant is rare. At this time, the clinical significance of this variant is uncertain due to the absence of conclusive functional and genetic evidence.

Labcorp Genetics (formerly Invitae), Labcorp
Classification: Uncertain significance for Neutropenia, severe congenital, 2, autosomal dominant. Last evaluated: 2024-12-15. Review status: criteria provided, single submitter. Criteria: Invitae Variant Classification Sherloc (09022015). Collection method: clinical testing. Allele origin: germline.
Comment: This sequence change replaces glutamic acid, which is acidic and polar, with aspartic acid, which is acidic and polar, at codon 30 of the GFI1 protein (p.Glu30Asp). This variant is not present in population databases (gnomAD no frequency). This variant has not been reported in the literature in individuals affected with GFI1-related conditions. Invitae Evidence Modeling of protein sequence and biophysical properties (such as structural, functional, and spatial information, amino acid conservation, physicochemical variation, residue mobility, and thermodynamic stability) indicates that this missense variant is not expected to disrupt GFI1 protein function with a negative predictive value of 80%. In summary, the available evidence is currently insufficient to determine the role of this variant in disease. Therefore, it has been classified as a Variant of Uncertain Significance.

NM_005263.5(GFI1):c.90G>C (p.Glu30Asp)

Gene: GFI1 (growth factor independent 1 transcriptional repressor; minus strand). Cytogenetic location: 1p22.1.
Variant type: single nucleotide variant.
Coding change: c.90G>C on transcript NM_005263.5 (MANE Select); coding-DNA position 90, G replaced by C.
Protein change: p.Glu30Asp; replaces glutamic acid 30 with aspartic acid.
Molecular consequence: missense variant.
Genome position (GRCh38, 1-based): chr1:92,483,398, C>G on the plus strand (G>C on the coding strand, the complement: GFI1 is on the minus strand). VCF-style: chr1-92483398-C-G. GRCh37 (hg19) VCF-style: chr1-92948955-C-G.
Other names: c.90G>C, p.Glu30Asp (NM_001127215.3, NM_001127216.3); short protein forms E30D.
Identifiers: ClinVar variation 3625259 (VCV003625259.3).